The following is an entry in ClinVar:

ClinVar aggregate classification (germline): Conflicting classifications of pathogenicity. Review status: criteria provided, conflicting classifications (1 of 4 stars). 4 submissions from 4 submitters: Uncertain significance (3); Likely benign (1). Last evaluated 2026-01-15.

Conditions:
Hereditary breast ovarian cancer syndrome. Also called: Hereditary breast and/or ovarian cancer syndrome; Hereditary breast and ovarian cancer syndrome; Hereditary breast and ovarian cancer; Hereditary breast and ovarian cancer syndrome (HBOC); Breast and ovarian cancer; BRCA1- and BRCA2-Associated Hereditary Breast and Ovarian Cancer. Identifiers: Orphanet 145, MedGen C0677776, MeSH D061325, MONDO:0003582. Disease mechanism: loss of function.
Hereditary cancer-predisposing syndrome. Also called: Tumor predisposition; Hereditary Cancer Syndrome; Neoplastic Syndromes, Hereditary; Hereditary neoplastic syndrome. Identifiers: Orphanet 140162, MedGen C0027672, MeSH D009386, MONDO:0015356.

Allele frequency attached by ClinVar (database versions not stated): gnomAD exomes 0.00001; ExAC 0.00003.
gnomAD v4.1: 7 of 1,594,772 alleles (0.00044%); highest among the groups gnomAD compares: South Asian, 0.008%; no homozygotes.

Submissions (4):

Ambry Genetics
Classification: Uncertain significance for Hereditary cancer-predisposing syndrome. Last evaluated: 2026-01-15. Review status: criteria provided, single submitter. Criteria: Ambry Variant Classification Scheme 2023. Collection method: clinical testing. Allele origin: germline.
Comment: The p.S1268T variant (also known as c.3802T>A), located in coding exon 10 of the BRCA2 gene, results from a T to A substitution at nucleotide position 3802. The serine at codon 1268 is replaced by threonine, an amino acid with similar properties. This amino acid position is conserved. In addition, this alteration is predicted to be tolerated by in silico analysis. Based on the available evidence, the clinical significance of this variant remains unclear.

Labcorp Genetics (formerly Invitae), Labcorp
Classification: Uncertain significance for Hereditary breast ovarian cancer syndrome. Last evaluated: 2024-08-27. Review status: criteria provided, single submitter. Criteria: Invitae Variant Classification Sherloc (09022015). Collection method: clinical testing. Allele origin: germline.
Comment: This sequence change replaces serine, which is neutral and polar, with threonine, which is neutral and polar, at codon 1268 of the BRCA2 protein (p.Ser1268Thr). This variant is present in population databases (rs751092504, gnomAD 0.01%). This variant has not been reported in the literature in individuals affected with BRCA2-related conditions. ClinVar contains an entry for this variant (Variation ID: 491261). Invitae Evidence Modeling of protein sequence and biophysical properties (such as structural, functional, and spatial information, amino acid conservation, physicochemical variation, residue mobility, and thermodynamic stability) indicates that this missense variant is not expected to disrupt BRCA2 protein function with a negative predictive value of 95%. In summary, the available evidence is currently insufficient to determine the role of this variant in disease. Therefore, it has been classified as a Variant of Uncertain Significance.

Color Diagnostics, LLC DBA Color Health
Classification: Uncertain significance for Hereditary cancer-predisposing syndrome. Last evaluated: 2023-12-05. Review status: criteria provided, single submitter. Criteria: ACMG Guidelines, 2015. Collection method: clinical testing. Allele origin: germline.
Comment: This missense variant replaces serine with threonine at codon 1268 of the BRCA2 protein. Computational prediction suggests that this variant may not impact protein structure and function (internally defined REVEL score threshold <= 0.5, PMID: 27666373). To our knowledge, functional studies have not been reported for this variant. This variant has not been reported in individuals affected with BRCA2-related disorders in the literature. This variant has been identified in 3/235424 chromosomes in the general population by the Genome Aggregation Database (gnomAD). The available evidence is insufficient to determine the role of this variant in disease conclusively. Therefore, this variant is classified as a Variant of Uncertain Significance.

University of Washington Department of Laboratory Medicine, University of Washington
Classification: Likely benign for Hereditary cancer-predisposing syndrome. Last evaluated: 2023-03-23. Review status: criteria provided, single submitter. Criteria: Dines et al. (Genet Med. 2020). Collection method: curation. Allele origin: germline.
Comment: Missense variant in a coldspot region where missense variants are very unlikely to be pathogenic (PMID:31911673).

BRCA2 exon 11 coldspot. Reclassification based on statistical prior probability.

NM_000059.4(BRCA2):c.3802T>A (p.Ser1268Thr)

Gene: BRCA2 (BRCA2 DNA repair associated; plus strand). Cytogenetic location: 13q13.1.
Variant type: single nucleotide variant.
Coding change: c.3802T>A on transcript NM_000059.4 (MANE Select); coding-DNA position 3802, T replaced by A.
Protein change: p.Ser1268Thr; replaces serine 1268 with threonine.
Molecular consequence: missense variant.
Genome position (GRCh38, 1-based): chr13:32,338,157, T>A. VCF-style: chr13-32338157-T-A. GRCh37 (hg19) VCF-style: chr13-32912294-T-A.
Other names: short protein forms S1268T.
Identifiers: ClinVar variation 491261 (VCV000491261.16), dbSNP rs751092504, ClinGen allele CA6940726.